The following is an entry in ClinVar:

NM_020693.4(DSCAML1):c.5321G>T (p.Gly1774Val)

Gene: DSCAML1 (DS cell adhesion molecule like 1; minus strand). Cytogenetic location: 11q23.3.
Variant type: single nucleotide variant.
Coding change: c.5321G>T on transcript NM_020693.4 (MANE Select); coding-DNA position 5321, G replaced by T.
Protein change: p.Gly1774Val; replaces glycine 1774 with valine.
Molecular consequence: missense variant.
Genome position (GRCh38, 1-based): chr11:117,431,587, C>A on the plus strand (G>T on the coding strand, the complement: DSCAML1 is on the minus strand). VCF-style: chr11-117431587-C-A. GRCh37 (hg19) VCF-style: chr11-117302303-C-A.
Other names: c.5501G>T (NM_020693.2); short protein forms G1774V.
Identifiers: ClinVar variation 2161349 (VCV002161349.5), dbSNP rs374568189, ClinGen allele CA6296100.

ClinVar aggregate classification (germline): Uncertain significance. Review status: criteria provided, multiple submitters, no conflicts (2 of 4 stars). 2 submissions from 2 submitters: Uncertain significance (2). Last evaluated 2024-07-05.

Allele frequency attached by ClinVar (database versions not stated): gnomAD 0.00003; TOPMed 0.00004; ExAC 0.00007; ESP Exome Variant Server 0.00008.
gnomAD v4.1: 47 of 1,610,892 alleles (0.0029%); highest among the groups gnomAD compares: Non-Finnish European, 0.0038%; no homozygotes.

Submissions (2):

Ambry Genetics
Classification: Uncertain significance. Last evaluated: 2024-07-05. Review status: criteria provided, single submitter. Criteria: Ambry Variant Classification Scheme 2023. Collection method: clinical testing. Allele origin: germline.

Labcorp Genetics (formerly Invitae), Labcorp
Classification: Uncertain significance. Last evaluated: 2023-08-03. Review status: criteria provided, single submitter. Criteria: Invitae Variant Classification Sherloc (09022015). Collection method: clinical testing. Allele origin: germline.
Comment: In summary, the available evidence is currently insufficient to determine the role of this variant in disease. Therefore, it has been classified as a Variant of Uncertain Significance. An algorithm developed to predict the effect of missense changes on protein structure and function (PolyPhen-2) suggests that this variant is likely to be disruptive. ClinVar contains an entry for this variant (Variation ID: 2161349). This variant has not been reported in the literature in individuals affected with DSCAML1-related conditions. This variant is present in population databases (rs374568189, gnomAD 0.008%). This sequence change replaces glycine, which is neutral and non-polar, with valine, which is neutral and non-polar, at codon 1834 of the DSCAML1 protein (p.Gly1834Val).